The following is an entry in ClinVar:

ClinVar aggregate classification (germline): Likely pathogenic (1 of 4 stars; one submission).

Submission:

Labcorp Genetics (formerly Invitae), Labcorp
Classification: Likely pathogenic. Last evaluated: 2024-04-16. Review status: criteria provided, single submitter. Criteria: Invitae Variant Classification Sherloc (09022015). Collection method: clinical testing. Allele origin: germline.
Comment: This sequence change affects a donor splice site in intron 28 of the ABCA1 gene. It is expected to disrupt RNA splicing. Variants that disrupt the donor or acceptor splice site typically lead to a loss of protein function (PMID: 16199547), and loss-of-function variants in ABCA1 are known to be pathogenic (PMID: 10525055, 10760292, 20880529). This variant is not present in population databases (gnomAD no frequency). This variant has not been reported in the literature in individuals affected with ABCA1-related conditions. Algorithms developed to predict the effect of sequence changes on RNA splicing suggest that this variant may disrupt the consensus splice site. In summary, the currently available evidence indicates that the variant is pathogenic, but additional data are needed to prove that conclusively. Therefore, this variant has been classified as Likely Pathogenic.

Literature cited by the submitters: PubMed 16199547; PubMed 10525055; PubMed 10760292; PubMed 20880529.

NM_005502.4(ABCA1):c.4050+1G>A

Gene: ABCA1 (ATP binding cassette subfamily A member 1; minus strand). Cytogenetic location: 9q31.1.
Variant type: single nucleotide variant.
Coding change: c.4050+1G>A on transcript NM_005502.4 (MANE Select); the canonical splice donor site of the intron after coding-DNA position 4050, G replaced by A.
Molecular consequence: splice donor variant.
Genome position (GRCh38, 1-based): chr9:104,812,573, C>T on the plus strand (G>A on the coding strand, the complement: ABCA1 is on the minus strand). VCF-style: chr9-104812573-C-T. GRCh37 (hg19) VCF-style: chr9-107574854-C-T.
Identifiers: ClinVar variation 3650081 (VCV003650081.2).